The following is an entry in ClinVar:

NM_000784.4(CYP27A1):c.20C>T (p.Ala7Val)

Gene: CYP27A1 (cytochrome P450 family 27 subfamily A member 1; plus strand). Cytogenetic location: 2q35.
Variant type: single nucleotide variant.
Coding change: c.20C>T on transcript NM_000784.4 (MANE Select); coding-DNA position 20, C replaced by T.
Protein change: p.Ala7Val; replaces alanine 7 with valine.
Molecular consequence: missense variant.
Genome position (GRCh38, 1-based): chr2:218,782,202, C>T. VCF-style: chr2-218782202-C-T. GRCh37 (hg19) VCF-style: chr2-219646925-C-T.
Other names: short protein forms A7V.
Identifiers: ClinVar variation 1343504 (VCV001343504.7), dbSNP rs1364383591, ClinGen allele CA350575341.

ClinVar aggregate classification (germline): Uncertain significance. Review status: criteria provided, multiple submitters, no conflicts (2 of 4 stars). 4 submissions from 4 submitters: Uncertain significance (4). Last evaluated 2024-10-22.

Conditions:
Cardiovascular phenotype. Identifiers: MedGen CN230736.
CYP27A1-related disorder. Also called: CYP27A1-related condition.
Cholestanol storage disease (CTX). Also called: Cerebrotendinous Xanthomatosis; CTX: Cerebrotendinous xanthomatosis; CEREBRAL CHOLESTERINOSIS. Identifiers: Orphanet 909, MedGen C0238052, MONDO:0008948, OMIM 213700.

Allele frequency attached by ClinVar (database versions not stated): gnomAD exomes below 0.00001; gnomAD 0.00003; TOPMed 0.00007.
gnomAD v4.1: 11 of 1,538,240 alleles (0.00072%); highest among the groups gnomAD compares: African/African-American, 0.0069%; no homozygotes.

Submissions (4):

Labcorp Genetics (formerly Invitae), Labcorp
Classification: Uncertain significance for Cholestanol storage disease. Last evaluated: 2024-10-22. Review status: criteria provided, single submitter. Criteria: Invitae Variant Classification Sherloc (09022015). Collection method: clinical testing. Allele origin: germline.
Comment: This sequence change replaces alanine, which is neutral and non-polar, with valine, which is neutral and non-polar, at codon 7 of the CYP27A1 protein (p.Ala7Val). This variant is present in population databases (no rsID available, gnomAD 0.01%). This variant has not been reported in the literature in individuals affected with CYP27A1-related conditions. ClinVar contains an entry for this variant (Variation ID: 1343504). Invitae Evidence Modeling of protein sequence and biophysical properties (such as structural, functional, and spatial information, amino acid conservation, physicochemical variation, residue mobility, and thermodynamic stability) indicates that this missense variant is not expected to disrupt CYP27A1 protein function with a negative predictive value of 80%. In summary, the available evidence is currently insufficient to determine the role of this variant in disease. Therefore, it has been classified as a Variant of Uncertain Significance.

PreventionGenetics, part of Exact Sciences
Classification: Uncertain significance for CYP27A1-related condition. Last evaluated: 2023-04-03. Review status: criteria provided, single submitter. Criteria: ACMG Guidelines, 2015. Collection method: clinical testing. Allele origin: germline.
Comment: The CYP27A1 c.20C>T variant is predicted to result in the amino acid substitution p.Ala7Val. To our knowledge, this variant has not been reported in the literature. This variant is reported in 0.012% of alleles in individuals of African descent in gnomAD. At this time, the clinical significance of this variant is uncertain due to the absence of conclusive functional and genetic evidence.

Ambry Genetics
Classification: Uncertain significance for Cardiovascular phenotype. Last evaluated: 2022-08-01. Review status: criteria provided, single submitter. Criteria: Ambry Variant Classification Scheme 2023. Collection method: clinical testing. Allele origin: germline.
Comment: The p.A7V variant (also known as c.20C>T), located in coding exon 1 of the CYP27A1 gene, results from a C to T substitution at nucleotide position 20. The alanine at codon 7 is replaced by valine, an amino acid with similar properties. This amino acid position is conserved. In addition, this alteration is predicted to be tolerated by in silico analysis. Since supporting evidence is limited at this time, the clinical significance of this alteration remains unclear.

Women's Health and Genetics/Laboratory Corporation of America, LabCorp
Classification: Uncertain significance. Last evaluated: 2022-02-18. Review status: criteria provided, single submitter. Criteria: LabCorp Variant Classification Summary - May 2015. Collection method: clinical testing. Allele origin: germline.